The following is an entry in ClinVar:

NM_001276270.2(MBD4):c.776A>C (p.Gln259Pro)

Gene: MBD4 (methyl-CpG binding domain 4, DNA glycosylase; minus strand). Cytogenetic location: 3q21.3.
Variant type: single nucleotide variant.
Coding change: c.776A>C on transcript NM_001276270.2 (MANE Select); coding-DNA position 776, A replaced by C.
Protein change: p.Gln259Pro; replaces glutamine 259 with proline.
Molecular consequence: missense variant. On other transcripts: intron variant (1).
Genome position (GRCh38, 1-based): chr3:129,436,868, T>G on the plus strand (A>C on the coding strand, the complement: MBD4 is on the minus strand). VCF-style: chr3-129436868-T-G. GRCh37 (hg19) VCF-style: chr3-129155711-T-G.
Other names: c.776A>C, p.Gln259Pro (NM_001276271.2, NM_001276272.2, NM_003925.3); c.247+940A>C (NM_001276273.2); short protein forms Q259P.
Identifiers: ClinVar variation 4104617 (VCV004104617.1).

ClinVar aggregate classification (germline): Uncertain significance (1 of 4 stars; one submission).

Conditions:
Inborn genetic diseases. Identifiers: MedGen C0950123, MeSH D030342.

gnomAD v4.1: 1 of 1,614,204 alleles (0.000062%); highest among the groups gnomAD compares: Middle Eastern, 0.016%; no homozygotes.

Submission:

Ambry Genetics
Classification: Uncertain significance for Inborn genetic diseases. Last evaluated: 2025-07-18. Review status: criteria provided, single submitter. Criteria: Ambry Variant Classification Scheme 2023. Collection method: clinical testing. Allele origin: germline.
Comment: The p.Q259P variant (also known as c.776A>C), located in coding exon 3 of the MBD4 gene, results from an A to C substitution at nucleotide position 776. The glutamine at codon 259 is replaced by proline, an amino acid with similar properties. This amino acid position is conserved. In addition, the in silico prediction for this alteration is inconclusive. Based on the available evidence, the clinical significance of this variant remains unclear.